The following is an entry in ClinVar:

ClinVar aggregate classification (germline): Uncertain significance (1 of 4 stars; one submission).

Conditions:
Parkinsonian-pyramidal syndrome. Also called: PARKINSON DISEASE 15, AUTOSOMAL RECESSIVE; PARKINSON DISEASE 15, AUTOSOMAL RECESSIVE EARLY-ONSET; PALLIDOPYRAMIDAL SYNDROME. Identifiers: Orphanet 171695, MedGen C1850100, MONDO:0009830, OMIM 260300.

Allele frequency attached by ClinVar (database versions not stated): gnomAD exomes below 0.00001.
gnomAD v4.1: 1 of 1,545,192 alleles (0.000065%); highest among the groups gnomAD compares: South Asian, 0.0012%; no homozygotes.

Submission:

Neuberg Centre For Genomic Medicine, NCGM
Classification: Uncertain significance for Parkinsonian-pyramidal syndrome. Review status: criteria provided, single submitter. Criteria: ACMG Guidelines, 2015. Collection method: clinical testing. Allele origin: germline. Inheritance: Autosomal recessive inheritance. Affected: yes.
Comment: The missense variant c.52G>A (p.Glu18Lys) in FBXO7 gene has not been reported previously as a pathogenic variant nor as a benign variant, to our knowledge. This variant is reported with the allele frequency (0.0007%) in the gnomad and novel in 1000 genome database. The amino acid Glutamic acid at position 18 is changed to a Lysine changing protein sequence and it might alter its composition and physico-chemical properties. In silico tools predict the variant to be tolerated. The residue is conserved across species. For these reasons, this variant has been classified as Uncertain Significance.

NM_012179.4(FBXO7):c.52G>A (p.Glu18Lys)

Gene: FBXO7 (F-box protein 7; plus strand). Cytogenetic location: 22q12.3.
Variant type: single nucleotide variant.
Coding change: c.52G>A on transcript NM_012179.4 (MANE Select); coding-DNA position 52, G replaced by A.
Protein change: p.Glu18Lys; replaces glutamic acid 18 with lysine.
Molecular consequence: missense variant.
Genome position (GRCh38, 1-based): chr22:32,475,054, G>A. VCF-style: chr22-32475054-G-A. GRCh37 (hg19) VCF-style: chr22-32871041-G-A.
Other names: short protein forms E18K.
Identifiers: ClinVar variation 2585291 (VCV002585291.1), dbSNP rs1412416225, ClinGen allele CA411329893.